The following is an entry in ClinVar:

NM_002691.4(POLD1):c.2546G>A (p.Arg849His)

Gene: POLD1 (DNA polymerase delta 1, catalytic subunit; plus strand). Cytogenetic location: 19q13.33.
Variant type: single nucleotide variant.
Coding change: c.2546G>A on transcript NM_002691.4 (MANE Select); coding-DNA position 2546, G replaced by A.
Protein change: p.Arg849His; replaces arginine 849 with histidine.
Molecular consequence: missense variant. On other transcripts: non-coding transcript variant (1).
Genome position (GRCh38, 1-based): chr19:50,414,972, G>A. VCF-style: chr19-50414972-G-A. GRCh37 (hg19) VCF-style: chr19-50918229-G-A.
Other names: c.2546G>A, p.Arg849His (NM_001256849.1); c.2624G>A, p.Arg875His (NM_001308632.1); short protein forms R849H, R875H.
Identifiers: ClinVar variation 220865 (VCV000220865.73), dbSNP rs3218775, ClinGen allele CA348642.

ClinVar aggregate classification (germline): Benign/Likely benign. Review status: criteria provided, multiple submitters, no conflicts (2 of 4 stars). 21 submissions from 21 submitters: Benign (12); Likely benign (4). 5 of the submissions do not count toward it. Last evaluated 2026-09-01.

Conditions:
Hereditary cancer-predisposing syndrome. Also called: Neoplastic Syndromes, Hereditary; Tumor predisposition; Hereditary Cancer Syndrome; Hereditary neoplastic syndrome. Identifiers: Orphanet 140162, MedGen C0027672, MeSH D009386, MONDO:0015356.
Carcinoma of colon (CRC). Also called: Colonic carcinoma; Colon carcinoma. Identifiers: MedGen C0699790, MONDO:0002032.
POLD1-related polyposis and colorectal cancer syndrome (CRCS10). Also called: Colorectal cancer 10; COLORECTAL CANCER, SUSCEPTIBILITY TO, ON CHROMOSOME 19q; Colorectal cancer, susceptibility to, 10. Identifiers: Orphanet 220460, MedGen C2675481, MONDO:0012953, OMIM 612591.
Mandibular hypoplasia-deafness-progeroid syndrome. Also called: Mandibular hypoplasia, deafness, progeroid features, and lipodystrophy syndrome. Identifiers: Orphanet 363649, MedGen C3715192, MONDO:0014157, OMIM 615381.

Allele frequency attached by ClinVar (database versions not stated): 1000 Genomes Project 0.00459; 1000 Genomes Project 30x 0.00484; gnomAD 0.00649 and 0.00670; TOPMed 0.00685; ESP Exome Variant Server 0.00693; gnomAD exomes 0.00783; ExAC 0.01055.
gnomAD v4.1: 11,678 of 1,590,186 alleles (0.73%); highest among the groups gnomAD compares: Middle Eastern, 1.9%; 75 homozygotes.

Submissions (21):

CeGaT Center for Human Genetics Tuebingen
Classification: Likely benign. Last evaluated: 2026-09-01. Review status: criteria provided, single submitter. Criteria: CeGaT Center For Human Genetics Tuebingen Variant Classification Criteria Version 2. Collection method: clinical testing. Allele origin: germline. Affected: yes. Observed: 106 variant alleles.
Comment: POLD1: BS2

Labcorp Genetics (formerly Invitae), Labcorp
Classification: Benign for POLD1-related polyposis and colorectal cancer syndrome. Last evaluated: 2026-02-04. Review status: criteria provided, single submitter. Criteria: Invitae Variant Classification Sherloc (09022015). Collection method: clinical testing. Allele origin: germline.

Mayo Clinic Laboratories, Mayo Clinic
Classification: Likely benign. Last evaluated: 2025-08-18. Review status: criteria provided, single submitter. Criteria: ACMG Guidelines, 2015. Collection method: clinical testing. Allele origin: germline. Observed: 12 variant alleles.
Comment: BS1, BP4

Center for Genomic Medicine, Rigshospitalet, Copenhagen University Hospital
Classification: Benign. Last evaluated: 2025-03-04. Review status: criteria provided, single submitter. Criteria: ACMG Guidelines, 2015. Collection method: clinical testing. Allele origin: germline.

ARUP Laboratories, Molecular Genetics and Genomics, ARUP Laboratories
Classification: Benign. Last evaluated: 2025-02-11. Review status: criteria provided, single submitter. Criteria: ARUP Molecular Germline Variant Investigation Process 2024. Collection method: clinical testing. Allele origin: germline.

Institute for Biomarker Research, Medical Diagnostic Laboratories, L.L.C.
Classification: Benign for Hereditary cancer-predisposing syndrome. Last evaluated: 2025-01-27. Review status: criteria provided, single submitter. Criteria: ACMG Guidelines, 2015. Collection method: clinical testing. Allele origin: germline.
Comment: The missense variant NM_001308632.1(POLD1):c.2624G>A (p.Arg875His) has been reported to ClinVar as Benign/Likely benign with a status of (2 stars) criteria provided, multiple submitters, no conflicts (Variation ID 220865 as of 2025-01-02).There is a small physicochemical difference between arginine and histidine, which is not likely to impact secondary protein structure as these residues share similar properties. The gene POLD1 has a low rate of benign missense variation as indicated by a high missense variants Z-Score of 1.31. The gene POLD1 contains 8 pathogenic missense variants, indicating that missense variants are a common mechanism of disease in this gene. For these reasons, this variant has been classified as Benign

Blueprint Genetics
Classification: Likely benign. Last evaluated: 2024-11-28. Review status: criteria provided, single submitter. Criteria: ACMG Guidelines, 2015. Collection method: clinical testing. Allele origin: germline.

KCCC/NGS Laboratory, Kuwait Cancer Control Center
Classification: Benign for POLD1-related polyposis and colorectal cancer syndrome. Last evaluated: 2023-07-07. Review status: criteria provided, single submitter. Criteria: ACMG Guidelines, 2015. Collection method: clinical testing. Allele origin: germline. Affected: yes.

Fulgent Genetics
Classification: Likely benign for POLD1-related polyposis and colorectal cancer syndrome; Mandibular hypoplasia-deafness-progeroid syndrome. Last evaluated: 2021-10-11. Review status: criteria provided, single submitter. Criteria: ACMG Guidelines, 2015. Collection method: clinical testing. Allele origin: unknown.

Sema4
Classification: Benign for Hereditary cancer-predisposing syndrome. Last evaluated: 2021-05-11. Review status: criteria provided, single submitter. Criteria: Sema4 Curation Guidelines. Collection method: curation. Allele origin: germline.

GeneDx
Classification: Benign. Last evaluated: 2017-05-09. Review status: criteria provided, single submitter. Criteria: GeneDx Variant Classification (06012015). Collection method: clinical testing. Allele origin: germline. Affected: yes.
Comment: This variant is considered likely benign or benign based on one or more of the following criteria: it is a conservative change, it occurs at a poorly conserved position in the protein, it is predicted to be benign by multiple in silico algorithms, and/or has population frequency not consistent with disease.

PreventionGenetics, part of Exact Sciences
Classification: Benign. Last evaluated: 2016-11-22. Review status: criteria provided, single submitter. Criteria: ACMG Guidelines, 2015. Collection method: clinical testing. Allele origin: germline.

Women's Health and Genetics/Laboratory Corporation of America, LabCorp
Classification: Benign. Last evaluated: 2016-08-25. Review status: criteria provided, single submitter. Criteria: LabCorp Variant Classification Summary - May 2015. Collection method: clinical testing. Allele origin: germline.
Comment: Variant summary: The c.2546G>A (p.Arg849His) in POLD1 gene is a missense change that involves a mildly conserved nucleotide and 3/5 in silico tools predict benign outcome. The variant is present in the control population dataset of ExAC at an overall frequency 0.01 (728/69008 chrs tested) including 4 homozygotes. This frequency exceeds the estimated maximum allele frequency for a pathogenic allele in this gene (0.0000142). The variant is cited as Benign/Polymorphism by a reputable database/clinical laboratory and published report. Taking together, the variant was classified as Benign.

Quest Diagnostics Nichols Institute San Juan Capistrano
Classification: Benign. Last evaluated: 2016-07-07. Review status: criteria provided, single submitter. Criteria: Quest Diagnostics criteria. Collection method: clinical testing. Allele origin: unknown.

Ambry Genetics
Classification: Benign for Hereditary cancer-predisposing syndrome. Last evaluated: 2015-05-20. Review status: criteria provided, single submitter. Criteria: Ambry Variant Classification Scheme 2023. Collection method: clinical testing. Allele origin: germline.

Breakthrough Genomics
Classification: Benign. Review status: criteria provided, single submitter. Criteria: ACMG Guidelines, 2015. Collection method: not provided. Allele origin: germline. Inheritance: Autosomal dominant inheritance. Affected: yes.

True Health Diagnostics
Classification: Benign for Hereditary cancer-predisposing syndrome. Last evaluated: 2018-01-12. Review status: no assertion criteria provided. Collection method: clinical testing. Allele origin: germline. Not counted in ClinVar's aggregate classification.

Counsyl
Classification: Benign for POLD1-related polyposis and colorectal cancer syndrome. Last evaluated: 2016-06-09. Review status: no assertion criteria provided. Collection method: clinical testing. Allele origin: unknown. Not counted in ClinVar's aggregate classification.

Clinical Genetics, Academic Medical Center
Classification: Benign. Review status: no assertion criteria provided. Collection method: clinical testing. Allele origin: germline. Affected: yes. Study: VKGL Data-share Consensus. Not counted in ClinVar's aggregate classification.

Department of Pathology and Laboratory Medicine, Sinai Health System
Classification: Likely benign for Carcinoma of colon. Review status: no assertion criteria provided. Collection method: clinical testing. Allele origin: unknown. Affected: yes. Observed: 4 variant alleles. Study: The Canadian Open Genetics Repository (COGR). Not counted in ClinVar's aggregate classification.
Comment: The POLD1 p.Arg849His variant was identified in 2 of 58 proband chromosomes (frequency: 0.03) from individuals or families with colorectal cancer (Talseth-Palmer 2016). The variant was also identified in dbSNP (ID: rs3218775 as With Likely benign allele), ClinVar (classified as benign by Invitae, Counsyl, GeneDx, Ambry Genetics, and two other clinical laboratories), and LOVD 3.0 (classified as benign and likely benign). The variant was not identified in Cosmic, or MutDB. The variant was identified in control databases in 1854 of 245284 chromosomes (13 homozygous) at a frequency of 0.008, increasing the likelihood this could be a low frequency benign variant (Genome Aggregation Database Feb 27, 2017). This variant was seen in the following populations: African in 27 of 21986 chromosomes (freq: 0.001), Other in 63 of 5744 chromosomes (freq: 0.01), Latino in 209 of 30752 chromosomes (freq: 0.01), European Non-Finnish in 954 of 110672 chromosomes (freq: 0.01), Ashkenazi Jewish in 383 of 9020 chromosomes (freq: 0.04), European Finnish in 174 of 22218 chromosomes (freq: 0.01), and South Asian in 44 of 28122 chromosomes (freq: 0.002); it was not observed in the East Asian population. The p.Arg849 residue is conserved in mammals but not in more distantly related organisms. However, 4 of 5 computational analyses (PolyPhen-2, SIFT, AlignGVGD, BLOSUM, MutationTaster) do not suggest a high likelihood of impact to the protein; this information is not predictive enough to rule out pathogenicity. The variant occurs outside of the splicing consensus sequence and 5 of 5 in silico or computational prediction software programs (SpliceSiteFinder, MaxEntScan, NNSPLICE, GeneSplicer, HumanSpliceFinder) do not predict a difference in splicing. In summary, the clinical significance of this variant cannot be determined with certainty at this time, although the available information suggests a benign role. This variant is classified as likely benign.

Genome Diagnostics Laboratory, Amsterdam University Medical Center
Classification: Likely benign. Review status: no assertion criteria provided. Collection method: clinical testing. Allele origin: germline. Affected: yes. Study: VKGL Data-share Consensus. Not counted in ClinVar's aggregate classification.

Literature cited by the submitters: PubMed 26811195 (cited by Women's Health and Genetics/Laboratory Corporation of America, LabCorp and Counsyl); PubMed 19966286 (cited by Counsyl); PubMed 26206375 (cited by Counsyl).